The following is an entry in ClinVar:

NM_177438.3(DICER1):c.5365-19_5410del

Gene: DICER1 (dicer 1, ribonuclease III; minus strand). Cytogenetic location: 14q32.13.
Variant type: Deletion.
Coding change: c.5365-19_5410del on transcript NM_177438.3 (MANE Select); 19 bases into the intron before coding-DNA position 5365 through coding-DNA position 5410, 65 bases deleted.
Molecular consequence: splice acceptor variant. On other transcripts: intron variant (1).
Genome position (GRCh38, 1-based): chr14:95,091,320-95,091,384, 65 bases deleted. GRCh37 (hg19): chr14:95,557,657-95,557,721.
Other names: c.5365-19_5410del (NM_001291628.2, NM_030621.4, NM_001395677.1 and 7 more transcripts); c.4960-19_5005del (NM_001395690.1, NM_001395687.1, NM_001395689.1 and 1 more transcripts); c.5083-19_5128del (NM_001395686.1); c.4798-19_4843del (NM_001395691.1); c.3682-19_3727del (NM_001395697.1); c.5365-275_5365-211del (NM_001195573.1).
Identifiers: ClinVar variation 4715757 (VCV004715757.1).

ClinVar aggregate classification (germline): Likely pathogenic. Review status: criteria provided, multiple submitters, no conflicts (2 of 4 stars). 2 submissions from 2 submitters: Likely pathogenic (2). Last evaluated 2025-03-23.

Conditions:
DICER1-related tumor predisposition. Also called: DICER1 syndrome; DICER1-related pleuropulmonary blastoma cancer predisposition syndrome. Identifiers: Orphanet 284343, MedGen C3839822, MONDO:0100216.

Submissions (2):

Labcorp Genetics (formerly Invitae), Labcorp
Classification: Likely pathogenic for DICER1-related tumor predisposition. Last evaluated: 2025-03-23. Review status: criteria provided, single submitter. Criteria: Invitae Variant Classification Sherloc (09022015). Collection method: clinical testing. Allele origin: germline.
Comment: This variant results in the deletion of part of exon 25 (c.5365-19_5410del) of the DICER1 gene. It is expected to disrupt RNA splicing. Variants that disrupt the donor or acceptor splice site typically lead to a loss of protein function (PMID: 16199547), and loss-of-function variants in DICER1 are known to be pathogenic (PMID: 19556464, 21266384). This variant is not present in population databases (gnomAD no frequency). This variant has not been reported in the literature in individuals affected with DICER1-related conditions. In summary, the currently available evidence indicates that the variant is pathogenic, but additional data are needed to prove that conclusively. Therefore, this variant has been classified as Likely Pathogenic.

Institute for Genomic Medicine (IGM) Clinical Laboratory, Nationwide Children's Hospital
Classification: Likely pathogenic for DICER1-related tumor predisposition. Last evaluated: 2025-03-10. Review status: criteria provided, single submitter. Criteria: ACMG Guidelines, 2015. Collection method: clinical testing. Allele origin: germline.
Comment: This variant is predicted to result in loss of function through nonsense-mediated decay of the encoded transcript or premature truncation of the encoded protein in a gene in which loss of function is a known mechanism of disease (ACMG/AMP: PVS1; PMIDs:26925222, 31342592). This variant is absent from or present at an exceedingly low frequency in gnomAD, a large-scale control population database (ACMG/AMP: PM2).

Literature cited by the submitters: PubMed 16199547 (cited by Labcorp Genetics (formerly Invitae), Labcorp); PubMed 19556464 (cited by Labcorp Genetics (formerly Invitae), Labcorp); PubMed 21266384 (cited by Labcorp Genetics (formerly Invitae), Labcorp); PubMed 26925222 (cited by Institute for Genomic Medicine (IGM) Clinical Laboratory, Nationwide Children's Hospital); PubMed 31342592 (cited by Institute for Genomic Medicine (IGM) Clinical Laboratory, Nationwide Children's Hospital).